The following is an entry in ClinVar:

NM_020247.5(COQ8A):c.742G>A (p.Val248Met)

Gene: COQ8A (coenzyme Q8A; plus strand). Cytogenetic location: 1q42.13.
Variant type: single nucleotide variant.
Coding change: c.742G>A on transcript NM_020247.5 (MANE Select); coding-DNA position 742, G replaced by A.
Protein change: p.Val248Met; replaces valine 248 with methionine.
Molecular consequence: missense variant.
Genome position (GRCh38, 1-based): chr1:226,982,038, G>A. VCF-style: chr1-226982038-G-A. GRCh37 (hg19) VCF-style: chr1-227169739-G-A.
Other names: c.742G>A (NM_020247.4); short protein forms V248M.
Identifiers: ClinVar variation 1421716 (VCV001421716.5), dbSNP rs148376283, ClinGen allele CA1425143.

ClinVar aggregate classification (germline): Uncertain significance. Review status: criteria provided, multiple submitters, no conflicts (2 of 4 stars). 3 submissions from 3 submitters: Uncertain significance (3). Last evaluated 2025-05-15.

Conditions:
Inborn genetic diseases. Identifiers: MedGen C0950123, MeSH D030342.

Allele frequency attached by ClinVar (database versions not stated): gnomAD exomes 0.00003 and 0.00005; gnomAD 0.00005 and 0.00003; ESP Exome Variant Server 0.00015; ExAC 0.00005; TOPMed 0.00005.
gnomAD v4.1: 55 of 1,612,910 alleles (0.0034%); highest among the groups gnomAD compares: South Asian, 0.0088%; no homozygotes.

Submissions (3):

GeneDx
Classification: Uncertain significance. Last evaluated: 2025-05-15. Review status: criteria provided, single submitter. Criteria: GeneDx Variant Classification Process June 2021. Collection method: clinical testing. Allele origin: germline. Affected: yes.
Comment: Not observed at significant frequency in large population cohorts (gnomAD); In silico analysis suggests that this missense variant does not alter protein structure/function; Has not been previously published as pathogenic or benign to our knowledge

Labcorp Genetics (formerly Invitae), Labcorp
Classification: Uncertain significance. Last evaluated: 2022-08-11. Review status: criteria provided, single submitter. Criteria: Invitae Variant Classification Sherloc (09022015). Collection method: clinical testing. Allele origin: germline.
Comment: This sequence change replaces valine, which is neutral and non-polar, with methionine, which is neutral and non-polar, at codon 248 of the COQ8A protein (p.Val248Met). This variant is present in population databases (rs148376283, gnomAD 0.01%). This variant has not been reported in the literature in individuals affected with COQ8A-related conditions. ClinVar contains an entry for this variant (Variation ID: 1421716). Advanced modeling of protein sequence and biophysical properties (such as structural, functional, and spatial information, amino acid conservation, physicochemical variation, residue mobility, and thermodynamic stability) performed at Invitae indicates that this missense variant is not expected to disrupt COQ8A protein function. In summary, the available evidence is currently insufficient to determine the role of this variant in disease. Therefore, it has been classified as a Variant of Uncertain Significance.

Ambry Genetics
Classification: Uncertain significance for Inborn genetic diseases. Last evaluated: 2022-03-31. Review status: criteria provided, single submitter. Criteria: Ambry Variant Classification Scheme 2023. Collection method: clinical testing. Allele origin: germline.